The following is an entry in ClinVar:

NM_003640.5(ELP1):c.3043C>T (p.His1015Tyr)

Gene: ELP1 (elongator acetyltransferase complex subunit 1; minus strand). Cytogenetic location: 9q31.3.
Variant type: single nucleotide variant.
Coding change: c.3043C>T on transcript NM_003640.5 (MANE Select); coding-DNA position 3043, C replaced by T.
Protein change: p.His1015Tyr; replaces histidine 1015 with tyrosine.
Molecular consequence: missense variant.
Genome position (GRCh38, 1-based): chr9:108,891,320, G>A on the plus strand (C>T on the coding strand, the complement: ELP1 is on the minus strand). VCF-style: chr9-108891320-G-A. GRCh37 (hg19) VCF-style: chr9-111653600-G-A.
Other names: c.2701C>T, p.His901Tyr (NM_001318360.2); c.1996C>T, p.His666Tyr (NM_001330749.2); short protein forms H666Y, H901Y, H1015Y.
Identifiers: ClinVar variation 937054 (VCV000937054.5), dbSNP rs762687399, ClinGen allele CA5174448.

ClinVar aggregate classification (germline): Uncertain significance. Review status: criteria provided, single submitter (1 of 4 stars). 2 submissions from 2 submitters: Uncertain significance (1). 1 of the submissions does not count toward it. Last evaluated 2022-07-05.

Conditions:
Familial dysautonomia. Also called: FD; HSAN III. Identifiers: Orphanet 1764, MedGen C0013364, MONDO:0009131, OMIM 223900. Disease mechanism: loss of function.

Allele frequency attached by ClinVar (database versions not stated): gnomAD 0.00001; ExAC 0.00002; gnomAD exomes 0.00002 and 0.00004; TOPMed 0.00002.
gnomAD v4.1: 60 of 1,613,956 alleles (0.0037%); highest among the groups gnomAD compares: Admixed American, 0.005%; no homozygotes.

Submissions (2):

Labcorp Genetics (formerly Invitae), Labcorp
Classification: Uncertain significance. Last evaluated: 2022-07-05. Review status: criteria provided, single submitter. Criteria: Invitae Variant Classification Sherloc (09022015). Collection method: clinical testing. Allele origin: germline.
Comment: This sequence change replaces histidine, which is basic and polar, with tyrosine, which is neutral and polar, at codon 1015 of the ELP1 protein (p.His1015Tyr). This variant is present in population databases (rs762687399, gnomAD 0.006%). This variant has not been reported in the literature in individuals affected with ELP1-related conditions. ClinVar contains an entry for this variant (Variation ID: 937054). Algorithms developed to predict the effect of missense changes on protein structure and function output the following: SIFT: "Tolerated"; PolyPhen-2: "Benign"; Align-GVGD: "Class C0". The tyrosine amino acid residue is found in multiple mammalian species, which suggests that this missense change does not adversely affect protein function. In summary, the available evidence is currently insufficient to determine the role of this variant in disease. Therefore, it has been classified as a Variant of Uncertain Significance.

Natera, Inc.
Classification: Uncertain significance for Familial dysautonomia. Last evaluated: 2020-06-17. Review status: no assertion criteria provided. Collection method: clinical testing. Allele origin: germline. Not counted in ClinVar's aggregate classification.